The following is an entry in ClinVar:

ClinVar aggregate classification (germline): Conflicting classifications of pathogenicity. Review status: criteria provided, conflicting classifications (1 of 4 stars). 3 submissions from 3 submitters: Uncertain significance (2); Likely benign (1). Last evaluated 2025-08-06.

Conditions:
Inborn genetic diseases. Identifiers: MedGen C0950123, MeSH D030342.

Allele frequency attached by ClinVar (database versions not stated): gnomAD 0.00001 and 0.00002; TOPMed 0.00001; gnomAD exomes 0.00003 and 0.00006; ExAC 0.00008; ESP Exome Variant Server 0.00008.
gnomAD v4.1: 52 of 1,614,056 alleles (0.0032%); highest among the groups gnomAD compares: South Asian, 0.054%; no homozygotes.

Submissions (3):

Ambry Genetics
Classification: Uncertain significance for Inborn genetic diseases. Last evaluated: 2025-08-06. Review status: criteria provided, single submitter. Criteria: Ambry Variant Classification Scheme 2023. Collection method: clinical testing. Allele origin: germline.

GeneDx
Classification: Uncertain significance. Last evaluated: 2025-05-20. Review status: criteria provided, single submitter. Criteria: GeneDx Variant Classification Process June 2021. Collection method: clinical testing. Allele origin: germline. Affected: yes.
Comment: In silico analysis supports that this missense variant has a deleterious effect on protein structure/function; Has not been previously published as pathogenic or benign to our knowledge

Labcorp Genetics (formerly Invitae), Labcorp
Classification: Likely benign. Last evaluated: 2024-02-29. Review status: criteria provided, single submitter. Criteria: Invitae Variant Classification Sherloc (09022015). Collection method: clinical testing. Allele origin: germline.

NM_206933.4(USH2A):c.13781A>G (p.Tyr4594Cys)

Gene: USH2A (usherin; minus strand). Cytogenetic location: 1q41.
Variant type: single nucleotide variant.
Coding change: c.13781A>G on transcript NM_206933.4 (MANE Select); coding-DNA position 13781, A replaced by G.
Protein change: p.Tyr4594Cys; replaces tyrosine 4594 with cysteine.
Molecular consequence: missense variant.
Genome position (GRCh38, 1-based): chr1:215,674,130, T>C on the plus strand (A>G on the coding strand, the complement: USH2A is on the minus strand). VCF-style: chr1-215674130-T-C. GRCh37 (hg19) VCF-style: chr1-215847472-T-C.
Other names: c.13781A>G (NM_206933.2); short protein forms Y4594C.
Identifiers: ClinVar variation 1149541 (VCV001149541.11), dbSNP rs149735061, ClinGen allele CA1393223.
Genomic context (GRCh38, chr1:215,674,130, plus strand): 5'-CTCTCAGAAAACCGAGACATGGCTACCTACCTGTGAAATGGCTTCAGCTGGTTTACTATA[T>C]ATGACTGCATACCAAAAGAATTATGAGTTGTGTTTATGTGTATGATTTTAGTTTCTCTTT-3'
Protein context (NP_996816.3, residues 4584-4604): TTHNSFGMQS[Tyr4594Cys]IVNQLKPFHR